The following is an entry in ClinVar:

ClinVar aggregate classification (germline): Uncertain significance (1 of 4 stars; one submission).

Submission:

Greenwood Genetic Center Diagnostic Laboratories, Greenwood Genetic Center
Classification: Uncertain significance. Last evaluated: 2021-10-15. Review status: criteria provided, single submitter. Criteria: ACMG Guidelines, 2015. Collection method: clinical testing. Allele origin: germline. Affected: yes.
Comment: PM2

NM_003107.3(SOX4):c.782A>C (p.Lys261Thr)

Genes: SOX4 (SRY-box transcription factor 4; plus strand), LOC129995965 (ATAC-STARR-seq lymphoblastoid silent region 16985; plus strand). Cytogenetic location: 6p22.3.
Variant type: single nucleotide variant.
Coding change: c.782A>C on transcript NM_003107.3 (MANE Select); coding-DNA position 782, A replaced by C.
Protein change: p.Lys261Thr; replaces lysine 261 with threonine.
Molecular consequence: missense variant.
Genome position (GRCh38, 1-based): chr6:21,595,316, A>C. VCF-style: chr6-21595316-A-C. GRCh37 (hg19) VCF-style: chr6-21595547-A-C.
Other names: short protein forms K261T.
Identifiers: ClinVar variation 1334620 (VCV001334620.4), dbSNP rs779342173, ClinGen allele CA363271318.